The following is an entry in ClinVar:

ClinVar aggregate classification (germline): Uncertain significance (1 of 4 stars; one submission).

Allele frequency attached by ClinVar (database versions not stated): gnomAD exomes below 0.00001.
gnomAD v4.1: 6 of 1,573,478 alleles (0.00038%); highest among the groups gnomAD compares: South Asian, 0.0011%; no homozygotes.

Submission:

Labcorp Genetics (formerly Invitae), Labcorp
Classification: Uncertain significance. Last evaluated: 2022-11-08. Review status: criteria provided, single submitter. Criteria: Invitae Variant Classification Sherloc (09022015). Collection method: clinical testing. Allele origin: germline.
Comment: Algorithms developed to predict the effect of missense changes on protein structure and function are either unavailable or do not agree on the potential impact of this missense change (SIFT: "Deleterious"; PolyPhen-2: "Not Available"; Align-GVGD: "Class C0"). This sequence change replaces glycine, which is neutral and non-polar, with arginine, which is basic and polar, at codon 1005 of the PTPN23 protein (p.Gly1005Arg). This variant is not present in population databases (gnomAD no frequency). This variant has not been reported in the literature in individuals affected with PTPN23-related conditions. ClinVar contains an entry for this variant (Variation ID: 1470059). In summary, the available evidence is currently insufficient to determine the role of this variant in disease. Therefore, it has been classified as a Variant of Uncertain Significance.

NM_015466.4(PTPN23):c.3013G>A (p.Gly1005Arg)

Gene: PTPN23 (protein tyrosine phosphatase non-receptor type 23; plus strand). Cytogenetic location: 3p21.31.
Variant type: single nucleotide variant.
Coding change: c.3013G>A on transcript NM_015466.4 (MANE Select); coding-DNA position 3013, G replaced by A.
Protein change: p.Gly1005Arg; replaces glycine 1005 with arginine.
Molecular consequence: missense variant.
Genome position (GRCh38, 1-based): chr3:47,410,811, G>A. VCF-style: chr3-47410811-G-A. GRCh37 (hg19) VCF-style: chr3-47452301-G-A.
Other names: c.2635G>A, p.Gly879Arg (NM_001304482.2); short protein forms G1005R, G879R.
Identifiers: ClinVar variation 1470059 (VCV001470059.6), dbSNP rs2107723746, ClinGen allele CA352560976.